The following is an entry in ClinVar:

ClinVar aggregate classification (germline): Uncertain significance (1 of 4 stars; one submission).

Allele frequency attached by ClinVar (database versions not stated): gnomAD exomes 0.00001 and 0.00003; TOPMed 0.00001; ExAC 0.00003.
gnomAD v4.1: 15 of 1,612,772 alleles (0.00093%); highest among the groups gnomAD compares: East Asian, 0.0089%; no homozygotes.

Submission:

Labcorp Genetics (formerly Invitae), Labcorp
Classification: Uncertain significance. Last evaluated: 2021-05-09. Review status: criteria provided, single submitter. Criteria: Invitae Variant Classification Sherloc (09022015). Collection method: clinical testing. Allele origin: germline.
Comment: This variant is present in population databases (rs758253450, ExAC 0.04%). In summary, the available evidence is currently insufficient to determine the role of this variant in disease. Therefore, it has been classified as a Variant of Uncertain Significance. Algorithms developed to predict the effect of missense changes on protein structure and function are either unavailable or do not agree on the potential impact of this missense change (SIFT: "Deleterious"; PolyPhen-2: "Probably Damaging"; Align-GVGD: "Class C0"). This variant has not been reported in the literature in individuals with SBF1-related conditions. This sequence change replaces valine with isoleucine at codon 1516 of the SBF1 protein (p.Val1516Ile). The valine residue is highly conserved and there is a small physicochemical difference between valine and isoleucine.

NM_002972.4(SBF1):c.4546G>A (p.Val1516Ile)

Gene: SBF1 (SET binding factor 1; minus strand). Cytogenetic location: 22q13.33.
Variant type: single nucleotide variant.
Coding change: c.4546G>A on transcript NM_002972.4 (MANE Select); coding-DNA position 4546, G replaced by A.
Protein change: p.Val1516Ile; replaces valine 1516 with isoleucine.
Molecular consequence: missense variant.
Genome position (GRCh38, 1-based): chr22:50,455,232, C>T on the plus strand (G>A on the coding strand, the complement: SBF1 is on the minus strand). VCF-style: chr22-50455232-C-T. GRCh37 (hg19) VCF-style: chr22-50893661-C-T.
Other names: c.4471G>A, p.Val1491Ile (NM_001365819.1); short protein forms V1491I, V1516I.
Identifiers: ClinVar variation 1501346 (VCV001501346.6), dbSNP rs758253450, ClinGen allele CA10316229.